The following is an entry in ClinVar:

ClinVar aggregate classification (germline): Conflicting classifications of pathogenicity. Review status: criteria provided, conflicting classifications (1 of 4 stars). 2 submissions from 1 submitter: Uncertain significance (1); Likely benign (1). Last evaluated 2018-01-13.

Conditions:
Amyotrophic lateral sclerosis type 4 (ALS4). Also called: NEURONOPATHY, DISTAL HEREDITARY MOTOR, WITH PYRAMIDAL FEATURES; AMYOTROPHIC LATERAL SCLEROSIS 4, JUVENILE. Identifiers: Orphanet 357043, MedGen C1865409, MONDO:0011223, OMIM 602433.
Spinocerebellar ataxia, autosomal recessive, with axonal neuropathy 2 (SCAN2). Also called: Ataxia-ocular apraxia-2; Ataxia with Oculomotor Apraxia; Ataxia with Oculomotor Apraxia Type 2; ATAXIA-OCULOMOTOR APRAXIA 2. Identifiers: Orphanet 64753, MedGen C1853761, MONDO:0018996, OMIM 606002.

Allele frequency attached by ClinVar (database versions not stated): gnomAD 0.00001 and 0.00003; gnomAD exomes 0.00001 and 0.00002; TOPMed 0.00001; ExAC 0.00002; 1000 Genomes Project 30x 0.00031; 1000 Genomes Project 0.00040.
gnomAD v4.1: 30 of 1,614,212 alleles (0.0019%); highest among the groups gnomAD compares: East Asian, 0.067%; no homozygotes.

Submissions (2):

Illumina Laboratory Services, Illumina
Classification: Uncertain significance for Spinocerebellar ataxia, autosomal recessive, with axonal neuropathy 2. Last evaluated: 2018-01-13. Review status: criteria provided, single submitter. Criteria: ICSL Variant Classification Criteria 13 December 2019. Collection method: clinical testing. Allele origin: germline.

Illumina Laboratory Services, Illumina
Classification: Likely benign for Amyotrophic lateral sclerosis type 4. Last evaluated: 2018-01-13. Review status: criteria provided, single submitter. Criteria: ICSL Variant Classification Criteria 13 December 2019. Collection method: clinical testing. Allele origin: germline.
Comment: This variant was observed in the ICSL laboratory as part of a predisposition screen in an ostensibly healthy population. It had not been previously curated by ICSL or reported in the Human Gene Mutation Database (HGMD: prior to June 1st, 2018), and was therefore a candidate for classification through an automated scoring system. Utilizing variant allele frequency, disease prevalence and penetrance estimates, and inheritance mode, an automated score was calculated to assess if this variant is too frequent to cause the disease. Based on the score and internal cut-off values, a variant classified as likely benign is not then subjected to further curation. The score for this variant resulted in a classification of likely benign for this disease.

NM_015046.7(SETX):c.4989T>A (p.Ser1663=)

Gene: SETX (senataxin; minus strand). Cytogenetic location: 9q34.13.
Variant type: single nucleotide variant.
Coding change: c.4989T>A on transcript NM_015046.7 (MANE Select); coding-DNA position 4989, T replaced by A.
Protein change: p.Ser1663=; no amino-acid change (serine 1663 retained).
Molecular consequence: synonymous variant.
Genome position (GRCh38, 1-based): chr9:132,326,609, A>T on the plus strand (T>A on the coding strand, the complement: SETX is on the minus strand). VCF-style: chr9-132326609-A-T. GRCh37 (hg19) VCF-style: chr9-135201996-A-T.
Other names: c.4989T>A, p.Ser1663= (NM_001351527.2, NM_001351528.2).
Identifiers: ClinVar variation 915200 (VCV000915200.4), dbSNP rs185338915, ClinGen allele CA5297096.